The following is an entry in ClinVar:

NC_000003.11:g.(?_38738840)_(38753956_?)del

Gene: SCN10A (sodium voltage-gated channel alpha subunit 10; minus strand). Cytogenetic location: 3p22.2.
Variant type: Deletion.
Identifiers: ClinVar variation 2425600 (VCV002425600.4).

ClinVar aggregate classification (germline): Uncertain significance (1 of 4 stars; one submission).

Conditions:
Brugada syndrome. Also called: Sudden unexpected nocturnal death syndrome; Sudden unexplained nocturnal death syndrome; Sudden Unexplained Death Syndrome; Sudden Unexplained Nocturnal Death Syndrome (SUNDS). Identifiers: Orphanet 130, MedGen C1142166, MONDO:0015263.

Submission:

Labcorp Genetics (formerly Invitae), Labcorp
Classification: Uncertain significance for Brugada syndrome. Last evaluated: 2023-05-15. Review status: criteria provided, single submitter. Criteria: Invitae Variant Classification Sherloc (09022015). Collection method: clinical testing. Allele origin: germline.
Comment: In summary, the available evidence is currently insufficient to determine the role of this variant in disease. Therefore, it has been classified as a Variant of Uncertain Significance. This variant has not been reported in the literature in individuals affected with SCN10A-related conditions. This variant is a gross deletion of the genomic region encompassing exon(s) 22-27 of the SCN10A gene, which includes the termination codon. This deletion extends beyond the assayed region for this gene and therefore may encompass additional genes. While this deletion is not anticipated to lead to nonsense mediated decay, it is expected to alter mRNA translation or result in a truncated protein product.